The following is an entry in ClinVar:

ClinVar aggregate classification (germline): Uncertain significance (1 of 4 stars; one submission).

Conditions:
Curry-Hall syndrome (WAD). Also called: WEYERS ACRODENTAL DYSOSTOSIS. Identifiers: Orphanet 952, MedGen C0457013, MONDO:0008673, OMIM 193530.
Ellis-van Creveld syndrome (EVC). Also called: EVC-Related Ellis-van Creveld Syndrome; EVC2-Related Ellis-van Creveld Syndrome; MESOECTODERMAL DYSPLASIA; Chondroectodermal dysplasia. Identifiers: Orphanet 289, MedGen C0013903, MONDO:0009162, OMIM 225500.

Allele frequency attached by ClinVar (database versions not stated): gnomAD exomes below 0.00001.
gnomAD v4.1: 5 of 1,504,252 alleles (0.00033%); highest among the groups gnomAD compares: Non-Finnish European, 0.00035%; no homozygotes.

Submission:

Labcorp Genetics (formerly Invitae), Labcorp
Classification: Uncertain significance for Curry-Hall syndrome; Ellis-van Creveld syndrome. Last evaluated: 2023-09-27. Review status: criteria provided, single submitter. Criteria: Invitae Variant Classification Sherloc (09022015). Collection method: clinical testing. Allele origin: germline.
Comment: In summary, the available evidence is currently insufficient to determine the role of this variant in disease. Therefore, it has been classified as a Variant of Uncertain Significance. An algorithm developed to predict the effect of missense changes on protein structure and function (PolyPhen-2) suggests that this variant is likely to be tolerated. This variant has not been reported in the literature in individuals affected with EVC2-related conditions. This variant is not present in population databases (gnomAD no frequency). This sequence change replaces arginine, which is basic and polar, with glutamine, which is neutral and polar, at codon 28 of the EVC2 protein (p.Arg28Gln).

NM_147127.5(EVC2):c.83G>A (p.Arg28Gln)

Gene: EVC2 (EvC ciliary complex subunit 2; minus strand). Cytogenetic location: 4p16.2.
Variant type: single nucleotide variant.
Coding change: c.83G>A on transcript NM_147127.5 (MANE Select); coding-DNA position 83, G replaced by A.
Protein change: p.Arg28Gln; replaces arginine 28 with glutamine.
Molecular consequence: missense variant. On other transcripts: intron variant (1).
Genome position (GRCh38, 1-based): chr4:5,708,431, C>T on the plus strand (G>A on the coding strand, the complement: EVC2 is on the minus strand). VCF-style: chr4-5708431-C-T. GRCh37 (hg19) VCF-style: chr4-5710158-C-T.
Other names: c.-13+398G>A (NM_001166136.2); short protein forms R28Q.
Identifiers: ClinVar variation 2932949 (VCV002932949.3), dbSNP rs2474142727, ClinGen allele CA356155338.